The following is an entry in ClinVar:

ClinVar aggregate classification (germline): Uncertain significance (1 of 4 stars; one submission).

Conditions:
Multiple gastrointestinal atresias. Also called: FAMILIAL INTESTINAL POLYATRESIA SYNDROME; Multiple intestinal atresia. Identifiers: Orphanet 2300, MedGen C0220744, MONDO:0009465.

Submission:

Labcorp Genetics (formerly Invitae), Labcorp
Classification: Uncertain significance for Multiple gastrointestinal atresias. Last evaluated: 2020-07-29. Review status: criteria provided, single submitter. Criteria: Invitae Variant Classification Sherloc (09022015). Collection method: clinical testing. Allele origin: germline.
Comment: In summary, the available evidence is currently insufficient to determine the role of this variant in disease. Therefore, it has been classified as a Variant of Uncertain Significance. Algorithms developed to predict the effect of missense changes on protein structure and function are either unavailable or do not agree on the potential impact of this missense change (SIFT: "Tolerated"; PolyPhen-2: "Possibly Damaging"; Align-GVGD: "Class C0"). This variant has not been reported in the literature in individuals with TTC7A-related conditions. The frequency data for this variant in the population databases is considered unreliable, as metrics indicate insufficient coverage at this position in the ExAC database. This sequence change replaces lysine with asparagine at codon 4 of the TTC7A protein (p.Lys4Asn). The lysine residue is weakly conserved and there is a moderate physicochemical difference between lysine and asparagine.

NM_020458.4(TTC7A):c.12G>T (p.Lys4Asn)

Genes: MCFD2 (multiple coagulation factor deficiency 2, ER cargo receptor complex subunit; minus strand), TTC7A (tetratricopeptide repeat domain 7A; plus strand). Cytogenetic location: 2p21.
Variant type: single nucleotide variant.
Coding change: c.12G>T on transcript NM_020458.4 (MANE Select); coding-DNA position 12, G replaced by T.
Protein change: p.Lys4Asn; replaces lysine 4 with asparagine.
Molecular consequence: missense variant. On other transcripts: 5 prime UTR variant (1), intron variant (3).
Genome position (GRCh38, 1-based): chr2:46,941,553, G>T. VCF-style: chr2-46941553-G-T. GRCh37 (hg19) VCF-style: chr2-47168692-G-T.
Other names: c.12G>T, p.Lys4Asn (NM_001288951.2); c.-893G>T (NM_001288955.2); c.-7+19C>A (NM_001171508.2); c.92+19C>A (NM_001171511.3); c.83-8810G>T (NM_001288953.2); short protein forms K4N.
Identifiers: ClinVar variation 1037180 (VCV001037180.9), dbSNP rs1274237789, ClinGen allele CA346715520.